The following is an entry in ClinVar:

NM_152564.5(VPS13B):c.8493_8501dup (p.Ile2834_His2835insIleIleIle)

Gene: VPS13B (vacuolar protein sorting 13 homolog B; plus strand). Cytogenetic location: 8q22.2.
Variant type: Duplication.
Coding change: c.8493_8501dup on transcript NM_152564.5 (MANE Select); coding-DNA positions 8493 to 8501, 9 bases duplicated (CATTATCAT; older notation c.8493_8501dupCATTATCAT).
Protein change: p.Ile2834_His2835insIleIleIle.
Molecular consequence: inframe insertion.
Genome position (GRCh38, 1-based): chr8:99,818,760-99,818,768, CATTATCAT duplicated. VCF-style (leftmost placement, unchanged base first): chr8-99818759-C-CCATTATCAT. GRCh37 (hg19) VCF-style: chr8-100830987-C-CCATTATCAT.
Other names: c.8568_8576dup, p.Ile2859_His2860insIleIleIle (NM_017890.5).
Identifiers: ClinVar variation 5004346 (VCV005004346.1).

ClinVar aggregate classification (germline): Uncertain significance (1 of 4 stars; one submission).

Conditions:
Cohen syndrome (COH1). Also called: PEPPER SYNDROME; Cutis verticis gyrata, retinitis pigmentosa, and sensorineural deafness. Identifiers: Orphanet 193, MedGen C0265223, MONDO:0008999, OMIM 216550.

Submission:

Myriad Genetics, Inc.
Classification: Uncertain significance for Cohen syndrome. Last evaluated: 2025-12-29. Review status: criteria provided, single submitter. Criteria: Myriad Autosomal Dominant, Autosomal Recessive and X-Linked Classification Criteria (2023). Collection method: clinical testing. Allele origin: unknown.
Comment: NM_017890.4(VPS13B):c.8568_8576dup9(I2857_I2859dup) is an in-frame insertion classified as a variant of uncertain significance in the context of Cohen syndrome. I2857_I2859dup has not been observed in cases with relevant disease. Relevant functional assessments of this variant are not available in the literature. I2857_I2859dup has not been observed in referenced population frequency databases. In summary, there is insufficient evidence to classify NM_017890.4(VPS13B):c.8568_8576dup9(I2857_I2859dup) as pathogenic or benign. Please note: this variant was assessed in the context of healthy population screening.